The following is an entry in ClinVar:

NM_152617.4(RNF168):c.150C>G (p.Cys50Trp)

Gene: RNF168 (ring finger protein 168; minus strand). Cytogenetic location: 3q29.
Variant type: single nucleotide variant.
Coding change: c.150C>G on transcript NM_152617.4 (MANE Select); coding-DNA position 150, C replaced by G.
Protein change: p.Cys50Trp; replaces cysteine 50 with tryptophan.
Molecular consequence: missense variant.
Genome position (GRCh38, 1-based): chr3:196,503,024, G>C on the plus strand (C>G on the coding strand, the complement: RNF168 is on the minus strand). VCF-style: chr3-196503024-G-C. GRCh37 (hg19) VCF-style: chr3-196229895-G-C.
Other names: c.150C>G (NM_152617.3); short protein forms C50W.
Identifiers: ClinVar variation 1386063 (VCV001386063.7), dbSNP rs141633648, ClinGen allele CA2781036.

ClinVar aggregate classification (germline): Uncertain significance. Review status: criteria provided, multiple submitters, no conflicts (2 of 4 stars). 2 submissions from 2 submitters: Uncertain significance (2). Last evaluated 2025-11-13.

Conditions:
Inborn genetic diseases. Identifiers: MedGen C0950123, MeSH D030342.

Allele frequency attached by ClinVar (database versions not stated): ExAC 0.00005; TOPMed 0.00010; 1000 Genomes Project 30x 0.00016; gnomAD 0.00007 and 0.00006; ESP Exome Variant Server 0.00015; 1000 Genomes Project 0.00020.
gnomAD v4.1: 23 of 1,614,146 alleles (0.0014%); highest among the groups gnomAD compares: African/African-American, 0.021%; no homozygotes.

Submissions (2):

Ambry Genetics
Classification: Uncertain significance for Inborn genetic diseases. Last evaluated: 2025-11-13. Review status: criteria provided, single submitter. Criteria: Ambry Variant Classification Scheme 2023. Collection method: clinical testing. Allele origin: germline.

Labcorp Genetics (formerly Invitae), Labcorp
Classification: Uncertain significance. Last evaluated: 2024-01-22. Review status: criteria provided, single submitter. Criteria: Invitae Variant Classification Sherloc (09022015). Collection method: clinical testing. Allele origin: germline.
Comment: This sequence change replaces cysteine, which is neutral and slightly polar, with tryptophan, which is neutral and slightly polar, at codon 50 of the RNF168 protein (p.Cys50Trp). This variant is present in population databases (rs141633648, gnomAD 0.05%). This variant has not been reported in the literature in individuals affected with RNF168-related conditions. ClinVar contains an entry for this variant (Variation ID: 1386063). An algorithm developed to predict the effect of missense changes on protein structure and function (PolyPhen-2) suggests that this variant is likely to be disruptive. In summary, the available evidence is currently insufficient to determine the role of this variant in disease. Therefore, it has been classified as a Variant of Uncertain Significance.